The following is an entry in ClinVar:

NM_001348768.2(HECW2):c.2660A>C (p.Glu887Ala)

Gene: HECW2 (HECT, C2 and WW domain containing E3 ubiquitin protein ligase 2; minus strand). Cytogenetic location: 2q32.3.
Variant type: single nucleotide variant.
Coding change: c.2660A>C on transcript NM_001348768.2 (MANE Select); coding-DNA position 2660, A replaced by C.
Protein change: p.Glu887Ala; replaces glutamic acid 887 with alanine.
Molecular consequence: missense variant.
Genome position (GRCh38, 1-based): chr2:196,307,159, T>G on the plus strand (A>C on the coding strand, the complement: HECW2 is on the minus strand). VCF-style: chr2-196307159-T-G. GRCh37 (hg19) VCF-style: chr2-197171883-T-G.
Other names: c.1592A>C, p.Glu531Ala (NM_001304840.3); c.2660A>C, p.Glu887Ala (NM_020760.4); short protein forms E887A, E531A.
Identifiers: ClinVar variation 2367475 (VCV002367475.3), dbSNP rs766688301, ClinGen allele CA2038014.

ClinVar aggregate classification (germline): Conflicting classifications of pathogenicity. Review status: criteria provided, conflicting classifications (1 of 4 stars). 2 submissions from 2 submitters: Uncertain significance (1); Likely benign (1). Last evaluated 2024-05-03.

Conditions:
Inborn genetic diseases. Identifiers: MedGen C0950123, MeSH D030342.

Allele frequency attached by ClinVar (database versions not stated): ExAC 0.00001; gnomAD 0.00004; gnomAD exomes 0.00004; TOPMed 0.00004.
gnomAD v4.1: 68 of 1,613,610 alleles (0.0042%); highest among the groups gnomAD compares: Admixed American, 0.01%; no homozygotes.

Submissions (2):

Women's Health and Genetics/Laboratory Corporation of America, LabCorp
Classification: Uncertain significance. Last evaluated: 2024-05-03. Review status: criteria provided, single submitter. Criteria: LabCorp Variant Classification Summary - May 2015. Collection method: clinical testing. Allele origin: germline.
Comment: Variant summary: HECW2 c.2660A>C (p.Glu887Ala) results in a non-conservative amino acid change in the encoded protein sequence. Three of five in-silico tools predict a benign effect of the variant on protein function. The variant allele was found at a frequency of 2.4e-05 in 251414 control chromosomes. The available data on variant occurrences in the general population are insufficient to allow any conclusion about variant significance. To our knowledge, no occurrence of c.2660A>C in individuals affected with Neurodevelopmental Disorder With Hypotonia, Seizures, And Absent Language and no experimental evidence demonstrating its impact on protein function have been reported. ClinVar contains an entry for this variant (Variation ID: 2367475). Based on the evidence outlined above, the variant was classified as uncertain significance.

Ambry Genetics
Classification: Likely benign for Inborn genetic diseases. Last evaluated: 2022-03-16. Review status: criteria provided, single submitter. Criteria: Ambry Variant Classification Scheme 2023. Collection method: clinical testing. Allele origin: germline.